The following is an entry in ClinVar:

NM_032043.3(BRIP1):c.1794+1G>A

Gene: BRIP1 (BRCA1 interacting DNA helicase 1; minus strand). Cytogenetic location: 17q23.2.
Variant type: single nucleotide variant.
Coding change: c.1794+1G>A on transcript NM_032043.3 (MANE Select); the canonical splice donor site of the intron after coding-DNA position 1794, G replaced by A.
Molecular consequence: splice donor variant.
Genome position (GRCh38, 1-based): chr17:61,780,839, C>T on the plus strand (G>A on the coding strand, the complement: BRIP1 is on the minus strand). VCF-style: chr17-61780839-C-T. GRCh37 (hg19) VCF-style: chr17-59858200-C-T.
Identifiers: ClinVar variation 820092 (VCV000820092.16), dbSNP rs766516963, ClinGen allele CA8690671.

ClinVar aggregate classification (germline): Pathogenic/Likely pathogenic. Review status: criteria provided, multiple submitters, no conflicts (2 of 4 stars). 5 submissions from 5 submitters: Pathogenic (2); Likely pathogenic (3). Last evaluated 2025-06-23.

Conditions:
Hereditary cancer-predisposing syndrome. Also called: Hereditary Cancer Syndrome; Neoplastic Syndromes, Hereditary; Hereditary neoplastic syndrome; Tumor predisposition. Identifiers: Orphanet 140162, MedGen C0027672, MeSH D009386, MONDO:0015356.
Familial cancer of breast. Also called: Hereditary breast cancer; hereditary breast carcinoma; BREAST CANCER, FAMILIAL. Identifiers: Orphanet 227535, MedGen C0346153, MONDO:0016419, OMIM 114480. Disease mechanism: loss of function.
Fanconi anemia complementation group J. Also called: BRIP1-Related Fanconi Anemia. Identifiers: Orphanet 84, MedGen C1836860, MONDO:0012187, OMIM 609054.

Allele frequency attached by ClinVar (database versions not stated): gnomAD exomes below 0.00001 and 0.00001; TOPMed below 0.00001; ExAC 0.00001.
gnomAD v4.1: 2 of 1,614,008 alleles (0.00012%); highest among the groups gnomAD compares: East Asian, 0.0045%; no homozygotes.

Submissions (5):

Labcorp Genetics (formerly Invitae), Labcorp
Classification: Pathogenic for Familial cancer of breast; Fanconi anemia complementation group J. Last evaluated: 2025-06-23. Review status: criteria provided, single submitter. Criteria: Invitae Variant Classification Sherloc (09022015). Collection method: clinical testing. Allele origin: germline.
Comment: This sequence change affects a donor splice site in intron 12 of the BRIP1 gene. RNA analysis indicates that disruption of this splice site induces altered splicing and may result in an absent or altered protein product. This variant is present in population databases (rs766516963, gnomAD 0.01%). This variant has not been reported in the literature in individuals affected with BRIP1-related conditions. ClinVar contains an entry for this variant (Variation ID: 820092). Studies have shown that disruption of this splice site results in skipping of exon 12, and produces a non-functional protein and/or introduces a premature termination codon (PMID: 32761968; internal data). For these reasons, this variant has been classified as Pathogenic.

Baylor Genetics
Classification: Likely pathogenic for Familial cancer of breast. Last evaluated: 2023-08-31. Review status: criteria provided, single submitter. Criteria: ACMG Guidelines, 2015. Collection method: clinical testing. Allele origin: unknown.

Myriad Genetics, Inc.
Classification: Likely pathogenic for Familial cancer of breast. Last evaluated: 2023-06-05. Review status: criteria provided, single submitter. Criteria: Myriad Autosomal Dominant, Autosomal Recessive and X-Linked Classification Criteria (2023). Collection method: clinical testing. Allele origin: unknown.
Comment: This variant is considered likely pathogenic. This variant occurs within a consensus splice junction and is predicted to result in abnormal mRNA splicing of either an out-of-frame exon or an in-frame exon necessary for protein stability and/or normal function.

Ambry Genetics
Classification: Likely pathogenic for Hereditary cancer-predisposing syndrome. Last evaluated: 2021-12-10. Review status: criteria provided, single submitter. Criteria: Ambry Variant Classification Scheme 2023. Collection method: clinical testing. Allele origin: germline.
Comment: The c.1794+1G>A intronic variant results from a G to A substitution one nucleotide after coding exon 11 of the BRIP1 gene. This alteration has been reported in the literature to result in aberrant splicing, leading to the skipping of exon 12 and a frameshift, producing a truncated protein product (Ryu JS et al. Cancer Sci, 2020 Oct;111:3912-3925). This nucleotide position is highly conserved in available vertebrate species. In silico splice site analysis predicts that this alteration will weaken the native splice donor site. In addition to the clinical data presented in the literature, alterations that disrupt the canonical splice site are expected to cause aberrant splicing, resulting in an abnormal protein or a transcript that is subject to nonsense-mediated mRNA decay. As such, this alteration is classified as likely pathogenic.

Kong lab, Department of Laboratory Medicine, National Cancer Center
Classification: Pathogenic for Familial cancer of breast. Last evaluated: 2020-08-01. Review status: criteria provided, single submitter. Criteria: ACMG Guidelines, 2015. Collection method: research. Allele origin: germline, not applicable. Inheritance: Autosomal dominant inheritance. Observed: 1 heterozygote.
Comment: RT-PCR and sequencing analyses confirmed that this variant resulted in exon 12 skipping, leading to a frameshift and the production of a truncated BRIP1 protein (Ryu et al., 2020; PMID: 32761968). This variant has been observed at low frequency in population databases with allele frequencies of 3.0E-06 in gnomAD_exome, 8.0E-06 in ExAC, and 3.0E-04 in KRGDB according to the most recent data from dbSNP (rs766516963). Given the frameshift-induced premature termination (stop codon gained at 557 a.a.; reference sequence NP_114432.2), BRIP1 c.1794+1G>A has been classified as pathogenic.

Literature cited by the submitters: PubMed 32761968 (cited by 3 submitters).